The following is an entry in ClinVar:

ClinVar aggregate classification (germline): Uncertain significance. Review status: criteria provided, multiple submitters, no conflicts (2 of 4 stars). 2 submissions from 2 submitters: Uncertain significance (2). Last evaluated 2026-01-13.

Conditions:
Neurofibromatosis, type 1 (NF1). Also called: Neurofibromatosis, type I; Peripheral type neurofibromatosis; VON RECKLINGHAUSEN DISEASE; NEUROFIBROMATOSIS, TYPE I, SOMATIC. Identifiers: Orphanet 636, MedGen C0027831, MONDO:0018975, OMIM 162200. Disease mechanism: loss of function.
Cardiovascular phenotype. Identifiers: MedGen CN230736.
Hereditary cancer-predisposing syndrome. Also called: Hereditary neoplastic syndrome; Hereditary Cancer Syndrome; Tumor predisposition; Neoplastic Syndromes, Hereditary. Identifiers: Orphanet 140162, MedGen C0027672, MeSH D009386, MONDO:0015356.

Submissions (2):

Labcorp Genetics (formerly Invitae), Labcorp
Classification: Uncertain significance for Neurofibromatosis, type 1. Last evaluated: 2026-01-13. Review status: criteria provided, single submitter. Criteria: Invitae Variant Classification Sherloc (09022015). Collection method: clinical testing. Allele origin: germline.
Comment: This sequence change replaces serine, which is neutral and polar, with phenylalanine, which is neutral and non-polar, at codon 285 of the NF1 protein (p.Ser285Phe). This variant is not present in population databases (gnomAD no frequency). This variant has not been reported in the literature in individuals affected with NF1-related conditions. ClinVar contains an entry for this variant (Variation ID: 970468). Invitae Evidence Modeling of protein sequence and biophysical properties (such as structural, functional, and spatial information, amino acid conservation, physicochemical variation, residue mobility, and thermodynamic stability) indicates that this missense variant is not expected to disrupt NF1 protein function with a negative predictive value of 95%. In summary, the available evidence is currently insufficient to determine the role of this variant in disease. Therefore, it has been classified as a Variant of Uncertain Significance.

Ambry Genetics
Classification: Uncertain significance for Cardiovascular phenotype; Hereditary cancer-predisposing syndrome. Last evaluated: 2024-07-28. Review status: criteria provided, single submitter. Criteria: Ambry Variant Classification Scheme 2023. Collection method: clinical testing. Allele origin: germline.
Comment: The p.S285F variant (also known as c.854C>T), located in coding exon 8 of the NF1 gene, results from a C to T substitution at nucleotide position 854. The serine at codon 285 is replaced by phenylalanine, an amino acid with highly dissimilar properties. This amino acid position is conserved. In addition, the in silico prediction for this alteration is inconclusive. Based on the available evidence, the clinical significance of this variant remains unclear.

NM_001042492.3(NF1):c.854C>T (p.Ser285Phe)

Gene: NF1 (neurofibromin 1; plus strand). Cytogenetic location: 17q11.2.
Variant type: single nucleotide variant.
Coding change: c.854C>T on transcript NM_001042492.3 (MANE Select); coding-DNA position 854, C replaced by T.
Protein change: p.Ser285Phe; replaces serine 285 with phenylalanine.
Molecular consequence: missense variant.
Genome position (GRCh38, 1-based): chr17:31,182,631, C>T. VCF-style: chr17-31182631-C-T. GRCh37 (hg19) VCF-style: chr17-29509649-C-T.
Other names: c.854C>T, p.Ser285Phe (NM_000267.4, NM_001128147.3); short protein forms S285F.
Identifiers: ClinVar variation 970468 (VCV000970468.8), dbSNP rs2066159067, ClinGen allele CA398991144.